The following is an entry in ClinVar:

NM_001267550.2(TTN):c.63285G>A (p.Pro21095=)

Genes: TTN (titin; minus strand), TTN-AS1 (TTN antisense RNA 1; plus strand). Cytogenetic location: 2q31.2.
Variant type: single nucleotide variant.
Coding change: c.63285G>A on transcript NM_001267550.2 (MANE Select); coding-DNA position 63285, G replaced by A.
Protein change: p.Pro21095=; no amino-acid change (proline 21095 retained).
Molecular consequence: synonymous variant.
Genome position (GRCh38, 1-based): chr2:178,588,122, C>T on the plus strand (G>A on the coding strand, the complement: TTN is on the minus strand). VCF-style: chr2-178588122-C-T. GRCh37 (hg19) VCF-style: chr2-179452849-C-T.
Other names: c.58362G>A, p.Pro19454= (NM_001256850.1); c.36090G>A, p.Pro12030= (NM_003319.4); c.55581G>A, p.Pro18527= (NM_133378.4); c.36465G>A, p.Pro12155= (NM_133432.3); c.36666G>A, p.Pro12222= (NM_133437.4).
Identifiers: ClinVar variation 626670 (VCV000626670.36), dbSNP rs760168563, ClinGen allele CA1992115.
Genomic context (GRCh38, chr2:178,588,122, plus strand): 5'-GCCTTCATCAGGAGACGCATCTGCTATTTTTGGTCTCATTTCCACAACATATCCAATGAT[C>T]GGTGCACCACCATCATAGACTGGTTTTCCCCACCCAAGAGTTATGGAATGTTTGGTTGTA-3'
Protein context (NP_001254479.2, residues 21085-21105): WGKPVYDGGA[Pro21095=]IIGYVVEMRP

ClinVar aggregate classification (germline): Conflicting classifications of pathogenicity. Review status: criteria provided, conflicting classifications (1 of 4 stars). 5 submissions from 5 submitters: Uncertain significance (1); Likely benign (4). Last evaluated 2026-08-03.

Conditions:
TTN-related disorder. Also called: TTN-related disorders; TTN-related condition; TTN-related disease.
Cardiovascular phenotype. Identifiers: MedGen CN230736.
Cardiomyopathy (CMYO). Also called: Cardiomyopathies. Identifiers: Orphanet 167848, MedGen C0878544, MONDO:0004994, HP:0001638. Inheritance: Various modes of inheritance.
Autosomal recessive limb-girdle muscular dystrophy type 2J (LGMDR10). Also called: MUSCULAR DYSTROPHY, LIMB-GIRDLE, AUTOSOMAL RECESSIVE 10; Limb-girdle muscular dystrophy, type 2J. Identifiers: Orphanet 140922, MedGen C1837342, MONDO:0012127, OMIM 608807.
Dilated cardiomyopathy 1G (CMD1G). Identifiers: Orphanet 154, MedGen C1858763, MONDO:0011400, OMIM 604145.

Allele frequency attached by ClinVar (database versions not stated): TOPMed below 0.00001; ExAC 0.00001; gnomAD 0.00001; gnomAD exomes 0.00002.
gnomAD v4.1: 17 of 1,612,634 alleles (0.0011%); highest among the groups gnomAD compares: Middle Eastern, 0.016%; no homozygotes.

Submissions (5):

PreventionGenetics, part of Exact Sciences
Classification: Likely benign for TTN-related condition. Last evaluated: 2026-08-03. Review status: criteria provided, single submitter. Criteria: ACMG Guidelines, 2015. Collection method: clinical testing. Allele origin: germline.
Comment: This variant is classified as likely benign based on ACMG/AMP sequence variant interpretation guidelines (Richards et al. 2015 PMID: 25741868, with internal and published modifications).

Labcorp Genetics (formerly Invitae), Labcorp
Classification: Likely benign for Dilated cardiomyopathy 1G; Autosomal recessive limb-girdle muscular dystrophy type 2J. Last evaluated: 2026-01-28. Review status: criteria provided, single submitter. Criteria: Invitae Variant Classification Sherloc (09022015). Collection method: clinical testing. Allele origin: germline.

CeGaT Center for Human Genetics Tuebingen
Classification: Likely benign. Last evaluated: 2022-11-01. Review status: criteria provided, single submitter. Criteria: CeGaT Center For Human Genetics Tuebingen Variant Classification Criteria Version 2. Collection method: clinical testing. Allele origin: germline. Affected: yes. Observed: 1 variant allele.
Comment: TTN: BP4, BP7

Ambry Genetics
Classification: Likely benign for Cardiovascular phenotype. Last evaluated: 2021-09-21. Review status: criteria provided, single submitter. Criteria: Ambry Variant Classification Scheme 2023. Collection method: clinical testing. Allele origin: germline.

CHEO Genetics Diagnostic Laboratory, Children's Hospital of Eastern Ontario
Classification: Uncertain significance for Cardiomyopathy. Last evaluated: 2015-11-30. Review status: criteria provided, single submitter. Criteria: ACMG Guidelines, 2015. Collection method: clinical testing. Allele origin: germline. Study: Canadian Open Genetics Repository.